The following is an entry in ClinVar:

NM_006208.3(ENPP1):c.219C>A (p.Asn73Lys)

Gene: ENPP1 (ectonucleotide pyrophosphatase/phosphodiesterase 1; plus strand). Cytogenetic location: 6q23.2.
Variant type: single nucleotide variant.
Coding change: c.219C>A on transcript NM_006208.3 (MANE Select); coding-DNA position 219, C replaced by A.
Protein change: p.Asn73Lys; replaces asparagine 73 with lysine.
Molecular consequence: missense variant.
Genome position (GRCh38, 1-based): chr6:131,808,254, C>A. VCF-style: chr6-131808254-C-A. GRCh37 (hg19) VCF-style: chr6-132129394-C-A.
Other names: short protein forms N73K.
Identifiers: ClinVar variation 2303832 (VCV002303832.5), dbSNP rs1163116799, ClinGen allele CA365662435.

ClinVar aggregate classification (germline): Uncertain significance. Review status: criteria provided, multiple submitters, no conflicts (2 of 4 stars). 3 submissions from 3 submitters: Uncertain significance (3). Last evaluated 2025-02-13.

Conditions:
Hypopigmentation-punctate palmoplantar keratoderma syndrome. Also called: Cole disease; GUTTATE HYPOPIGMENTATION AND PUNCTATE PALMOPLANTAR KERATODERMA WITH OR WITHOUT ECTOPIC CALCIFICATION. Identifiers: Orphanet 324561, MedGen C3809781, MONDO:0014227, OMIM 615522.
Arterial calcification, generalized, of infancy, 1 (GACI1). Also called: Idiopathic Infantile Arterial Calcification. Identifiers: Orphanet 51608, MedGen C4551985, MONDO:0008817, OMIM 208000.
Hypophosphatemic rickets, autosomal recessive, 2 (ARHR2). Identifiers: Orphanet 289176, MedGen C2750078, MONDO:0013219, OMIM 613312.
Type 2 diabetes mellitus. Also called: Type II diabetes mellitus. Identifiers: MedGen C0011860, MeSH D003924, MONDO:0005148, OMIM 125853, HP:0005978.
Inherited obesity. Also called: Monogenic Obesity. Identifiers: Orphanet 77828, MedGen C4054476, MONDO:0019182, OMIM 601665.
Inborn genetic diseases. Identifiers: MedGen C0950123, MeSH D030342.

Allele frequency attached by ClinVar (database versions not stated): gnomAD exomes 0.00002.
gnomAD v4.1: 26 of 1,518,370 alleles (0.0017%); highest among the groups gnomAD compares: South Asian, 0.029%; no homozygotes.

Submissions (3):

Labcorp Genetics (formerly Invitae), Labcorp
Classification: Uncertain significance. Last evaluated: 2025-02-13. Review status: criteria provided, single submitter. Criteria: Invitae Variant Classification Sherloc (09022015). Collection method: clinical testing. Allele origin: germline.
Comment: This sequence change replaces asparagine, which is neutral and polar, with lysine, which is basic and polar, at codon 73 of the ENPP1 protein (p.Asn73Lys). This variant is present in population databases (no rsID available, gnomAD 0.05%). This variant has not been reported in the literature in individuals affected with ENPP1-related conditions. ClinVar contains an entry for this variant (Variation ID: 2303832). An algorithm developed to predict the effect of missense changes on protein structure and function (PolyPhen-2) suggests that this variant is likely to be disruptive. In summary, the available evidence is currently insufficient to determine the role of this variant in disease. Therefore, it has been classified as a Variant of Uncertain Significance.

Fulgent Genetics
Classification: Uncertain significance for Type 2 diabetes mellitus; Arterial calcification, generalized, of infancy, 1; Inherited obesity; Hypophosphatemic rickets, autosomal recessive, 2; Hypopigmentation-punctate palmoplantar keratoderma syndrome. Last evaluated: 2024-05-20. Review status: criteria provided, single submitter. Criteria: ACMG Guidelines, 2015. Collection method: clinical testing. Allele origin: germline.

Ambry Genetics
Classification: Uncertain significance for Inborn genetic diseases. Last evaluated: 2022-07-27. Review status: criteria provided, single submitter. Criteria: Ambry Variant Classification Scheme 2023. Collection method: clinical testing. Allele origin: germline.